The following is an entry in ClinVar:

NM_001025603.2(RFX5):c.151-1G>T

Gene: RFX5 (regulatory factor X5; minus strand). Cytogenetic location: 1q21.3.
Variant type: single nucleotide variant.
Coding change: c.151-1G>T on transcript NM_001025603.2 (MANE Select); the canonical splice acceptor site of the intron before coding-DNA position 151, G replaced by T.
Molecular consequence: splice acceptor variant.
Genome position (GRCh38, 1-based): chr1:151,345,189, C>A on the plus strand (G>T on the coding strand, the complement: RFX5 is on the minus strand). VCF-style: chr1-151345189-C-A. GRCh37 (hg19) VCF-style: chr1-151317665-C-A.
Other names: c.151-1G>T (NM_001379419.1, NM_000449.4, NM_001379413.1 and 7 more transcripts).
Identifiers: ClinVar variation 2030092 (VCV002030092.4), dbSNP rs2102068023, ClinGen allele CA341946002.

ClinVar aggregate classification (germline): Pathogenic (1 of 4 stars; one submission).

Conditions:
MHC class II deficiency. Also called: Bare lymphocyte syndrome 2; BLS, TYPE II. Identifiers: Orphanet 572, MedGen C5447452, MONDO:0008855.

Submission:

Labcorp Genetics (formerly Invitae), Labcorp
Classification: Pathogenic for MHC class II deficiency. Last evaluated: 2022-09-12. Review status: criteria provided, single submitter. Criteria: Invitae Variant Classification Sherloc (09022015). Collection method: clinical testing. Allele origin: germline.
Comment: This sequence change affects an acceptor splice site in intron 4 of the RFX5 gene. RNA analysis indicates that disruption of this splice site induces altered splicing and may result in an absent or disrupted protein product. This variant is not present in population databases (gnomAD no frequency). Disruption of this splice site has been observed in individual(s) with MHC class II deficiency (PMID: 10079298). Studies have shown that disruption of this splice site alters RFX5 gene expression (PMID: 10079298). Studies have shown that disruption of this splice site results in deletion of 4 nucleotides and introduces a premature termination codon (PMID: 10079298). The resulting mRNA is expected to undergo nonsense-mediated decay. For these reasons, this variant has been classified as Pathogenic.

Literature cited by the submitters: PubMed 10079298.